The following is an entry in ClinVar:

NM_005012.4(ROR1):c.1097G>A (p.Gly366Glu)

Gene: ROR1 (receptor tyrosine kinase like orphan receptor 1; plus strand). Cytogenetic location: 1p31.3.
Variant type: single nucleotide variant.
Coding change: c.1097G>A on transcript NM_005012.4 (MANE Select); coding-DNA position 1097, G replaced by A.
Protein change: p.Gly366Glu; replaces glycine 366 with glutamic acid.
Molecular consequence: missense variant.
Genome position (GRCh38, 1-based): chr1:64,142,573, G>A. VCF-style: chr1-64142573-G-A. GRCh37 (hg19) VCF-style: chr1-64608256-G-A.
Other names: c.1097G>A, p.Gly366Glu (NM_001083592.2); short protein forms G366E.
Identifiers: ClinVar variation 3628181 (VCV003628181.2).

ClinVar aggregate classification (germline): Uncertain significance (1 of 4 stars; one submission).

Submission:

Labcorp Genetics (formerly Invitae), Labcorp
Classification: Uncertain significance. Last evaluated: 2024-11-03. Review status: criteria provided, single submitter. Criteria: Invitae Variant Classification Sherloc (09022015). Collection method: clinical testing. Allele origin: germline.
Comment: This sequence change replaces glycine, which is neutral and non-polar, with glutamic acid, which is acidic and polar, at codon 366 of the ROR1 protein (p.Gly366Glu). This variant is not present in population databases (gnomAD no frequency). This variant has not been reported in the literature in individuals affected with ROR1-related conditions. Invitae Evidence Modeling of protein sequence and biophysical properties (such as structural, functional, and spatial information, amino acid conservation, physicochemical variation, residue mobility, and thermodynamic stability) indicates that this missense variant is expected to disrupt ROR1 protein function with a positive predictive value of 80%. In summary, the available evidence is currently insufficient to determine the role of this variant in disease. Therefore, it has been classified as a Variant of Uncertain Significance.